The following is an entry in ClinVar:

NM_001165963.4(SCN1A):c.5492T>G (p.Phe1831Cys)

Genes: SCN1A (sodium voltage-gated channel alpha subunit 1; minus strand), LOC102724058 (uncharacterized LOC102724058; plus strand). Cytogenetic location: 2q24.3.
Variant type: single nucleotide variant.
Coding change: c.5492T>G on transcript NM_001165963.4 (MANE Select); coding-DNA position 5492, T replaced by G.
Protein change: p.Phe1831Cys; replaces phenylalanine 1831 with cysteine.
Molecular consequence: missense variant. On other transcripts: non-coding transcript variant (1).
Genome position (GRCh38, 1-based): chr2:165,991,783, A>C on the plus strand (T>G on the coding strand, the complement: SCN1A is on the minus strand). VCF-style: chr2-165991783-A-C. GRCh37 (hg19) VCF-style: chr2-166848293-A-C.
Other names: c.5408T>G, p.Phe1803Cys (NM_001165964.3, NM_001353957.2, NM_001353958.2); c.5492T>G, p.Phe1831Cys (NM_001202435.3, NM_001353948.2); c.5459T>G, p.Phe1820Cys (NM_001353949.2, NM_001353950.2, NM_001353951.2 and 2 more transcripts); c.5456T>G, p.Phe1819Cys (NM_001353954.2, NM_001353955.2); c.5405T>G, p.Phe1802Cys (NM_001353960.2); c.3050T>G, p.Phe1017Cys (NM_001353961.2); short protein forms F1820C, F1831C, F1803C, F1819C, F1017C, F1802C.
Identifiers: ClinVar variation 419333 (VCV000419333.2), dbSNP rs121918748, ClinGen allele CA16617279.

ClinVar aggregate classification (germline): Pathogenic (1 of 4 stars; one submission).

Submission:

GeneDx
Classification: Pathogenic. Last evaluated: 2015-07-09. Review status: criteria provided, single submitter. Criteria: GeneDx Variant Classification (06012015). Collection method: clinical testing. Allele origin: germline. Affected: yes.
Comment: The F1831C variant in the SCN1A gene has not been reported previously as a pathogenic variantnor as a benign polymorphism, to our knowledge. The F1831C susbtitution was not observed in approximately6500 individuals of European and African American ancestry in the NHLBI Exome Sequencing Project,indicating it is not a common benign variant in these populations. The F1831C variant is a non-conservative amino acid substitution, which is likely to impact secondary protein structure as these residues differ in polarity, charge, size and/or other properties. This substitution occurs within the C-terminal cytoplasmic domain at a position that is conserved across species. In silico analysis predicts this variant is probably damaging to the protein structure/function. Missense variants in the same and nearby residues (F1831S, A1832P, L1835F, L1839V) have been reported in the Human Gene Mutation Database in association with myoclonic epilepsy and Dravet syndrome (Stenson et al., 2014), supporting the functionalimportance of this region of the protein. We interpret F1831C as a pathogenic variant.